The following is an entry in ClinVar:

ClinVar aggregate classification (germline): Likely benign. Review status: reviewed by expert panel (3 of 4 stars). 2 submissions from 2 submitters: Likely benign (1). 1 of the submissions does not count toward it. Last evaluated 2024-06-24.

Conditions:
Hereditary thrombocytopenia and hematologic cancer predisposition syndrome. Identifiers: Orphanet 71290, MedGen CN281654, MONDO:0011071.
Hereditary thrombocytopenia and hematological cancer predisposition syndrome associated with RUNX1. Also called: PLATELET DISORDER, ASPIRIN-LIKE; RUNX1 Familial Platelet Disorder with Associated Myeloid Malignancies; Familial Platelet Disorder with Propensity to Acute Myelogenous Leukemia; Familial thrombocytopenia with propensity to acute myelogenous leukemia. Identifiers: Orphanet 71290, MedGen C1832388, MeSH C563324, MONDO:0100083, OMIM 601399.

Allele frequency attached by ClinVar (database versions not stated): gnomAD 0.00009 and 0.00010; gnomAD exomes 0.00011; TOPMed 0.00014; 1000 Genomes Project 0.00020; 1000 Genomes Project 30x 0.00031.
gnomAD v4.1: 24 of 233,694 alleles (0.01%); highest among the groups gnomAD compares: East Asian, 0.14%; no homozygotes.

Submissions (2):

ClinGen Myeloid Malignancy Variant Curation Expert Panel
Classification: Likely benign for Hereditary thrombocytopenia and hematologic cancer predisposition syndrome. Last evaluated: 2024-06-24. Review status: reviewed by expert panel. Criteria: ClinGen MyeloMalig ACMG Specifications v2. Collection method: curation. Allele origin: germline. Inheritance: Autosomal dominant inheritance.
Comment: NM_001754.5(RUNX1):c.*1788A>G is an intronic variant which has a MAF of 0.001389 (0.1389%, 23/16564, 23 alleles) in the East Asian subpopulation of the v4.0.0 gnomAD cohort is between 0.00015 (0.015%) and 0.0015 (0.15%) (BS1). This synonymous variant has a SpliceAI score ≤ 0.20 (0.0) (BP4). In summary, this variant meets criteria to be classified as likely benign. ACMG/AMP criteria applied, as specified by the Myeloid Malignancy Variant Curation Expert Panel for RUNX1: BS1, BP4.

Illumina Laboratory Services, Illumina
Classification: Uncertain significance for Hereditary thrombocytopenia and hematological cancer predisposition syndrome associated with RUNX1. Last evaluated: 2018-04-20. Review status: criteria provided, single submitter. Criteria: ICSL Variant Classification Criteria 13 December 2019. Collection method: clinical testing. Allele origin: germline. Not counted in ClinVar's aggregate classification.

NM_001754.5(RUNX1):c.*1788A>G

Gene: RUNX1 (RUNX family transcription factor 1; minus strand). Cytogenetic location: 21q22.12.
Variant type: single nucleotide variant.
Coding change: c.*1788A>G on transcript NM_001754.5 (MANE Select); 1788 bases downstream of the stop codon, A replaced by G.
Molecular consequence: 3 prime UTR variant.
Genome position (GRCh38, 1-based): chr21:34,790,347, T>C on the plus strand (A>G on the coding strand, the complement: RUNX1 is on the minus strand). VCF-style: chr21-34790347-T-C. GRCh37 (hg19) VCF-style: chr21-36162644-T-C.
Other names: c.*1788A>G (NM_001001890.3).
Identifiers: ClinVar variation 898790 (VCV000898790.5), dbSNP rs529044293, ClinGen allele CA320249943.
Genomic context (GRCh38, chr21:34,790,347, plus strand): 5'-CCTGCAGCCAAAGATTTGCCTAATTTGAATGCTTAAATTTATAAAATAAAAATCAAACAC[T>C]GTTCTGAAGTCCTGCTTTCAAATACTCTTCAGAGTTGACCTGAAATCGTTTCAACGAATT-3'